The following is an entry in ClinVar:

ClinVar aggregate classification (germline): Pathogenic. Review status: reviewed by expert panel (3 of 4 stars). 9 submissions from 9 submitters: Pathogenic (1). 8 of the submissions do not count toward it. Last evaluated 2024-12-05.

Conditions:
IDUA-related disorder. Also called: IDUA-related condition.
Mucopolysaccharidosis type 1. Also called: Mucopolysaccharidosis Type I; IDUA deficiency; MPS I. Identifiers: Orphanet 579, MedGen C0023786, MONDO:0001586.
Hurler syndrome. Also called: Severe MPS I (Hurler Syndrome); Gargoylism, Hurler Syndrome; MUCOPOLYSACCHARIDOSIS TYPE IH. Identifiers: Orphanet 93473, MedGen C0086795, MONDO:0011758, OMIM 607014.

Submissions (9):

ClinGen Lysosomal Storage Disorder Variant Curation Expert Panel
Classification: Pathogenic for Mucopolysaccharidosis type 1. Last evaluated: 2024-12-05. Review status: reviewed by expert panel. Criteria: ClinGen LSD ACMG Specifications IDUA V1.0.0. Collection method: curation. Allele origin: germline. Inheritance: Autosomal recessive inheritance.
Comment: The NM_000203.5:c.613_617dup (p.Glu207AlafsTer29) variant in IDUA is a frameshift variant predicted to cause a premature stop codon in biologically-relevant-exon 6 out of 14, leading to nonsense mediated decay in a gene in which loss-of-function is an established disease mechanism (PVS1). At least 8 probands with a diagnosis of MPS I have been reported with the variant. At least 3 individuals with severe MPS I were homozygous for the variant (PMIDs: 8664897, 29620724; PM3). The allelic data for compound heterozygous individuals will be used in the assessment of the second variant and was not included here to avoid circular logic. The highest population minor allele frequency in gnomAD v4.1.0. is 0.0002011 (9/44746 alleles) in the East Asian population, which is lower than the ClinGen Lysosomal Diseases VCEP’s threshold for PM2_Supporting (<0.00025), meeting this criterion (PM2_Supporting). In summary, this variant meets the criteria to be classified as pathogenic for MPS I based on the ACMG/AMP criteria applied, as specified by the ClinGen Lysosomal Diseases Variant Curation Expert panel (Specifications Version 1.0.0): PVS1, PM3, PM2_Supporting. (Classification approved by the ClinGen Lysosomal Diseases Variant Curation Expert Panel on December 5, 2024)

3billion
Classification: Pathogenic for IDUA-related disorder. Last evaluated: 2025-12-16. Review status: criteria provided, single submitter. Criteria: ACMG Guidelines, 2015. Collection method: clinical testing. Allele origin: germline. Affected: yes. Not counted in ClinVar's aggregate classification.
Comment: The variant is observed at an extremely low frequency in the gnomAD v4.1.0 dataset (total allele frequency: <0.001%). Predicted Consequence/Location: Frameshift: predicted to result in a loss or disruption of normal protein function through nonsense-mediated decay (NMD) or protein truncation. Multiple pathogenic variants are reported downstream of the variant. The variant has been reported multiple times as an established pathogenic variant (ClinVar ID: VCV000011921 /PMID: 8664897). Therefore, this variant is classified as Pathogenic according to the recommendation of ACMG/AMP guideline.

Natera, Inc.
Classification: Pathogenic for Mucopolysaccharidosis type I. Last evaluated: 2024-07-26. Review status: criteria provided, single submitter. Criteria: Natera Variant Classification Schema (03/2026). Collection method: clinical testing. Allele origin: germline. Not counted in ClinVar's aggregate classification.
Comment: The c.613_617dupTGCTC variant in IDUA is a frameshift variant predicted to shift the reading frame beginning at codon 207 and leads to a stop codon 29 codons downstream. This variant is expected to result in nonsense mediated decay, truncation, or a dysfunctional protein product. This variant is rare in the general population with a frequency below the threshold expected for the associated phenotype(s). This variant has been observed in one or more individuals affected with the associated recessive disease, as either homozygous or compound heterozygous with a second variant (PMID: 27520059). Given the available evidence, this variant is classified as Pathogenic.

Labcorp Genetics (formerly Invitae), Labcorp
Classification: Pathogenic for Mucopolysaccharidosis type 1. Last evaluated: 2023-07-31. Review status: criteria provided, single submitter. Criteria: Invitae Variant Classification Sherloc (09022015). Collection method: clinical testing. Allele origin: germline. Not counted in ClinVar's aggregate classification.
Comment: This sequence change creates a premature translational stop signal (p.Glu207Alafs*29) in the IDUA gene. It is expected to result in an absent or disrupted protein product. Loss-of-function variants in IDUA are known to be pathogenic (PMID: 11735025, 21480867). This variant is present in population databases (rs786200915, gnomAD 0.01%). This premature translational stop signal has been observed in individuals with mucopolysaccharidosis type I (PMID: 8664897, 27520059, 29620724). This variant is also known as 704ins5. ClinVar contains an entry for this variant (Variation ID: 11921). For these reasons, this variant has been classified as Pathogenic.

Broad Center for Mendelian Genomics, Broad Institute of MIT and Harvard
Classification: Pathogenic for Mucopolysaccharidosis type 1. Last evaluated: 2020-01-13. Review status: criteria provided, single submitter. Criteria: ACMG Guidelines, 2015. Collection method: curation. Allele origin: germline. Inheritance: Autosomal recessive inheritance. Not counted in ClinVar's aggregate classification.
Comment: The p.Glu207AlafsTer29 variant in IDUA has been reported in least 7 individuals with mucopolysaccharidosis (MPS) (PMID: 8664897, 27520059) and has been identified in 0.011% (2/17752) of East Asian chromosomes by the Genome Aggregation Database (gnomAD; dbSNP rs786200915). Although this variant has been seen in the general population, its frequency is low enough to be consistent with a recessive carrier frequency. This variant is predicted to cause a frameshift, which alters the protein's amino acid sequence beginning at position 207 and leads to a premature termination codon 29 amino acids downstream. This alteration is then predicted to lead to a truncated or absent protein. Loss of function of the IDUA gene is an established disease mechanism in autosomal recessive MPS. The presence of this variant in 2 affected homozygotes and in combination with a reported pathogenic variant in at least 3 individuals with MPS increases the likelihood that the p.Glu207AlafsTer29 variant is pathogenic (VariationID: 11922; PMID: 8664897). In summary, this variant meets criteria to be classified as pathogenic for MPS in an autosomal recessive manner based on the prediction that the variant will cause loss of function and the presence of the variant in combination with known pathogenic variants in individuals with MPS. ACMG/AMP Criteria applied: PVS1, PM3_strong, PM2_supporting (Richards 2015).

Women's Health and Genetics/Laboratory Corporation of America, LabCorp
Classification: Pathogenic for Mucopolysaccharidosis type I. Last evaluated: 2018-06-22. Review status: criteria provided, single submitter. Criteria: LabCorp Variant Classification Summary - May 2015. Collection method: clinical testing. Allele origin: germline. Not counted in ClinVar's aggregate classification.
Comment: Variant summary: IDUA c.613_617dupTGCTC (p.Glu207AlafsX29) results in a premature termination codon, predicted to cause a truncation of the encoded protein or absence of the protein due to nonsense mediated decay, which are commonly known mechanisms for disease. The variant allele was found at a frequency of 8.8e-06 in 227460 control chromosomes (gnomAD). The variant, c.613_617dupTGCTC, has been reported in the literature in multiple individuals affected with Mucopolysaccharidosis Type 1 (Ghosh_2017, Kwak_2016, Yamagishi_1996). These data indicate that the variant is very likely to be associated with disease. At least one publication reports experimental evidence evaluating an impact on protein function. The most pronounced variant effect results in <10% of normal activity (Kwak_2016). A ClinVar submission from a clinical diagnostic laboratory (evaluation after 2014) cites the variant as pathogenic. Based on the evidence outlined above, the variant was classified as pathogenic.

Counsyl
Classification: Pathogenic for Hurler syndrome. Last evaluated: 2017-10-27. Review status: no assertion criteria provided. Collection method: clinical testing. Allele origin: unknown. Not counted in ClinVar's aggregate classification.

OMIM
Classification: Pathogenic for HURLER SYNDROME. Last evaluated: 2004-12-01. Review status: no assertion criteria provided. Collection method: literature only. Allele origin: germline. Not counted in ClinVar's aggregate classification.

GeneReviews
No classification provided. Condition: Mucopolysaccharidosis type 1. Review status: no classification provided. Collection method: literature only. Allele origin: germline. Not counted in ClinVar's aggregate classification.
Comment: Common pathogenic variant in Japan

Literature cited by the submitters: PubMed 8664897 (cited by 6 submitters); PubMed 27520059 (cited by 5 submitters); PubMed 11735025 (cited by Labcorp Genetics (formerly Invitae), Labcorp); PubMed 21480867 (cited by Labcorp Genetics (formerly Invitae), Labcorp); PubMed 29620724 (cited by Labcorp Genetics (formerly Invitae), Labcorp); PubMed 28752568 (cited by Women's Health and Genetics/Laboratory Corporation of America, LabCorp); PubMed 15521993 (cited by OMIM); NCBI Bookshelf NBK1162 (cited by GeneReviews).

NM_000203.5(IDUA):c.613_617dup (p.Glu207fs)

Gene: IDUA (alpha-L-iduronidase; plus strand). Cytogenetic location: 4p16.3.
Variant type: Duplication.
Coding change: c.613_617dup on transcript NM_000203.5 (MANE Select); coding-DNA positions 613 to 617, 5 bases duplicated (TGCTC; older notation c.613_617dupTGCTC).
Protein change: p.Glu207fs; shifts the reading frame from glutamic acid 207.
Molecular consequence: frameshift variant. On other transcripts: non-coding transcript variant (1).
Genome position (GRCh38, 1-based): chr4:1,001,702-1,001,706, TGCTC duplicated; duplicating any 5 consecutive bases within chr4:1,001,701-1,001,706 gives the same sequence; the c. name uses the placement nearest the transcript's 3' end. VCF-style (leftmost placement, unchanged base first): chr4-1001700-C-CCTGCT. GRCh37 (hg19) VCF-style: chr4-995488-C-CCTGCT.
Other names: p.Glu207fs; c.613_617dup5 (NM_000203.3); c.613_617dupTGCTC (NM_000203.4, NM_000203.3); c.217_221dup, p.Glu75fs (NM_001363576.1); short protein forms E207fs, E75fs.
Identifiers: ClinVar variation 11921 (VCV000011921.24), dbSNP rs786200915, ClinGen allele CA256123.
Genomic context (GRCh38, chr4:1,001,700, plus strand): 5'-CCCCAGGGCAGGTGTAGACGCAGTGCTCCCCCGGCCCAGGCTTCCTGAACTACTACGATG[C>CCTGCT]CTGCTCGGAGGGTCTGCGCGCCGCCAGCCCCGCCCTGCGGCTGGGAGGCCCCGGCGACTC-3'